The following is an entry in ClinVar:

ClinVar aggregate classification (germline): Uncertain significance (1 of 4 stars; one submission).

Submission:

Labcorp Genetics (formerly Invitae), Labcorp
Classification: Uncertain significance. Last evaluated: 2023-10-31. Review status: criteria provided, single submitter. Criteria: Invitae Variant Classification Sherloc (09022015). Collection method: clinical testing. Allele origin: germline.
Comment: This sequence change creates a premature translational stop signal (p.Ser1296*) in the MTOR gene. It is expected to result in an absent or disrupted protein product. However, the current clinical and genetic evidence is not sufficient to establish whether loss-of-function variants in MTOR cause disease. This variant is not present in population databases (gnomAD no frequency). This variant has not been reported in the literature in individuals affected with MTOR-related conditions. In summary, the available evidence is currently insufficient to determine the role of this variant in disease. Therefore, it has been classified as a Variant of Uncertain Significance.

NM_004958.4(MTOR):c.3887C>G (p.Ser1296Ter)

Gene: MTOR (mechanistic target of rapamycin kinase; minus strand). Cytogenetic location: 1p36.22.
Variant type: single nucleotide variant.
Coding change: c.3887C>G on transcript NM_004958.4 (MANE Select); coding-DNA position 3887, C replaced by G.
Protein change: p.Ser1296Ter; replaces serine 1296 with a stop codon.
Molecular consequence: nonsense.
Genome position (GRCh38, 1-based): chr1:11,204,618, G>C on the plus strand (C>G on the coding strand, the complement: MTOR is on the minus strand). VCF-style: chr1-11204618-G-C. GRCh37 (hg19) VCF-style: chr1-11264675-G-C.
Other names: c.3887C>G, p.Ser1296Ter (NM_001386500.1); c.2639C>G, p.Ser880Ter (NM_001386501.1); short protein forms S880*, S1296*.
Identifiers: ClinVar variation 2769568 (VCV002769568.3), dbSNP rs2100765073, ClinGen allele CA338393519.